The following is an entry in ClinVar:

NM_173630.4(RTTN):c.4225A>C (p.Asn1409His)

Gene: RTTN (rotatin; minus strand). Cytogenetic location: 18q22.2.
Variant type: single nucleotide variant.
Coding change: c.4225A>C on transcript NM_173630.4 (MANE Select); coding-DNA position 4225, A replaced by C.
Protein change: p.Asn1409His; replaces asparagine 1409 with histidine.
Molecular consequence: missense variant.
Genome position (GRCh38, 1-based): chr18:70,088,066, T>G on the plus strand (A>C on the coding strand, the complement: RTTN is on the minus strand). VCF-style: chr18-70088066-T-G. GRCh37 (hg19) VCF-style: chr18-67755302-T-G.
Other names: c.1489A>C, p.Asn497His (NM_001318520.2); short protein forms N497H, N1409H.
Identifiers: ClinVar variation 2228779 (VCV002228779.2), dbSNP rs773054762, ClinGen allele CA8995353.

ClinVar aggregate classification (germline): Uncertain significance (1 of 4 stars; one submission).

Conditions:
Inborn genetic diseases. Identifiers: MedGen C0950123, MeSH D030342.

Allele frequency attached by ClinVar (database versions not stated): TOPMed 0.00001; ExAC 0.00002; gnomAD exomes 0.00002; gnomAD 0.00003.
gnomAD v4.1: 37 of 1,613,826 alleles (0.0023%); highest among the groups gnomAD compares: South Asian, 0.023%; no homozygotes.

Submission:

Ambry Genetics
Classification: Uncertain significance for Inborn genetic diseases. Last evaluated: 2021-01-27. Review status: criteria provided, single submitter. Criteria: Ambry Variant Classification Scheme 2023. Collection method: clinical testing. Allele origin: germline.
Comment: The c.4225A>C (p.N1409H) alteration is located in exon 31 (coding exon 31) of the RTTN gene. This alteration results from a A to C substitution at nucleotide position 4225, causing the asparagine (N) at amino acid position 1409 to be replaced by a histidine (H). The p.N1409H alteration is predicted to be tolerated by in silico analysis. Based on insufficient or conflicting evidence, the clinical significance of this alteration remains unclear.